The following is an entry in ClinVar:

NM_001353345.2(SETD1B):c.4900G>A (p.Glu1634Lys)

Gene: SETD1B (SET domain containing 1B, histone lysine methyltransferase; plus strand). Cytogenetic location: 12q24.31.
Variant type: single nucleotide variant.
Coding change: c.4900G>A on transcript NM_001353345.2 (MANE Select); coding-DNA position 4900, G replaced by A.
Protein change: p.Glu1634Lys; replaces glutamic acid 1634 with lysine.
Molecular consequence: missense variant.
Genome position (GRCh38, 1-based): chr12:121,823,479, G>A. VCF-style: chr12-121823479-G-A. GRCh37 (hg19) VCF-style: chr12-122261385-G-A.
Other names: short protein forms E1634K.
Identifiers: ClinVar variation 1708111 (VCV001708111.1), dbSNP rs760923776, ClinGen allele CA244657321.

ClinVar aggregate classification (germline): Uncertain significance (1 of 4 stars; one submission).

Conditions:
Intellectual developmental disorder with seizures and language delay (IDDSELD). Identifiers: MedGen C5436574, MONDO:0033559, OMIM 619000.

gnomAD v4.1: 24 of 1,550,462 alleles (0.0015%); highest among the groups gnomAD compares: Non-Finnish European, 0.0021%; no homozygotes.

Submission:

Laboratory of Medical Genetics, National & Kapodistrian University of Athens
Classification: Uncertain significance for Intellectual developmental disorder with seizures and language delay. Last evaluated: 2022-06-09. Review status: criteria provided, single submitter. Criteria: ACMG Guidelines, 2015. Collection method: clinical testing. Allele origin: germline. Affected: yes.
Comment: PM2, PP2